The following is an entry in ClinVar:

NM_032108.4(SEMA6B):c.887G>A (p.Gly296Glu)

Gene: SEMA6B (semaphorin 6B; minus strand). Cytogenetic location: 19p13.3.
Variant type: single nucleotide variant.
Coding change: c.887G>A on transcript NM_032108.4 (MANE Select); coding-DNA position 887, G replaced by A.
Protein change: p.Gly296Glu; replaces glycine 296 with glutamic acid.
Molecular consequence: missense variant.
Genome position (GRCh38, 1-based): chr19:4,552,524, C>T on the plus strand (G>A on the coding strand, the complement: SEMA6B is on the minus strand). VCF-style: chr19-4552524-C-T. GRCh37 (hg19) VCF-style: chr19-4552536-C-T.
Other names: short protein forms G296E.
Identifiers: ClinVar variation 2808958 (VCV002808958.3), dbSNP rs2512191972, ClinGen allele CA403467447.
Genomic context (GRCh38, chr19:4,552,524, plus strand): 5'-CCCCCGAGGCTGACCACGCCCGTGACAGCCTGCAGCACGTTGAAGTAGAAATGGGAGTCT[C>T]CGGGTACAGAGCAGTTGAGCCGCGCCTTCAGGAAGGACGTCCACTGCTTCTCCAGCACGC-3'
Protein context (NP_115484.2, residues 286-306): LKARLNCSVP[Gly296Glu]DSHFYFNVLQ

ClinVar aggregate classification (germline): Uncertain significance (1 of 4 stars; one submission).

Submission:

Labcorp Genetics (formerly Invitae), Labcorp
Classification: Uncertain significance. Last evaluated: 2022-10-19. Review status: criteria provided, single submitter. Criteria: Invitae Variant Classification Sherloc (09022015). Collection method: clinical testing. Allele origin: germline.
Comment: In summary, the available evidence is currently insufficient to determine the role of this variant in disease. Therefore, it has been classified as a Variant of Uncertain Significance. Algorithms developed to predict the effect of missense changes on protein structure and function are either unavailable or do not agree on the potential impact of this missense change (SIFT: "Deleterious"; PolyPhen-2: "Possibly Damaging"; Align-GVGD: "Class C0"). This variant has not been reported in the literature in individuals affected with SEMA6B-related conditions. This variant is not present in population databases (gnomAD no frequency). This sequence change replaces glycine, which is neutral and non-polar, with glutamic acid, which is acidic and polar, at codon 296 of the SEMA6B protein (p.Gly296Glu).